The following is an entry in ClinVar:

NM_003640.5(ELP1):c.3572+99G>A

Gene: ELP1 (elongator acetyltransferase complex subunit 1; minus strand). Cytogenetic location: 9q31.3.
Variant type: single nucleotide variant.
Coding change: c.3572+99G>A on transcript NM_003640.5 (MANE Select); 99 bases into the intron after coding-DNA position 3572, G replaced by A.
Molecular consequence: intron variant.
Genome position (GRCh38, 1-based): chr9:108,879,347, C>T on the plus strand (G>A on the coding strand, the complement: ELP1 is on the minus strand). VCF-style: chr9-108879347-C-T. GRCh37 (hg19) VCF-style: chr9-111641627-C-T.
Other names: c.3230+99G>A (NM_001318360.2); c.2525+99G>A (NM_001330749.2).
Identifiers: ClinVar variation 681888 (VCV000681888.5), dbSNP rs2275496, ClinGen allele CA12996796.
Genomic context (GRCh38, chr9:108,879,347, plus strand): 5'-CAGATATGCTGGGAAAGTGTCTGAACAACTTCCACACAGCGCTGAAGAATATTCTCCCCA[C>T]TCCCACTACACCGTCCCAGTAGAAAACCAATCTATTTGCTTCCACTTTCCCTATATGCCC-3'

ClinVar aggregate classification (germline): Benign. Review status: criteria provided, multiple submitters, no conflicts (2 of 4 stars). 3 submissions from 3 submitters: Benign (3). Last evaluated 2021-07-01.

Conditions:
Familial dysautonomia. Also called: HSAN III; FD. Identifiers: Orphanet 1764, MedGen C0013364, MONDO:0009131, OMIM 223900. Disease mechanism: loss of function.

Allele frequency attached by ClinVar (database versions not stated): 1000 Genomes Project 30x 0.31340; 1000 Genomes Project 0.31869; TOPMed 0.34429; gnomAD 0.34623.
gnomAD v4.1: 346,705 of 844,544 alleles (41%); highest among the groups gnomAD compares: Non-Finnish European, 45%; 75,170 homozygotes.

Submissions (3):

Genome-Nilou Lab
Classification: Benign for Familial dysautonomia. Last evaluated: 2021-07-01. Review status: criteria provided, single submitter. Criteria: ACMG Guidelines, 2015. Collection method: clinical testing. Allele origin: germline. Affected: no.

GeneDx
Classification: Benign. Last evaluated: 2018-06-14. Review status: criteria provided, single submitter. Criteria: GeneDx Variant Classification (06012015). Collection method: clinical testing. Allele origin: germline. Affected: yes.
Comment: This variant is considered likely benign or benign based on one or more of the following criteria: it is a conservative change, it occurs at a poorly conserved position in the protein, it is predicted to be benign by multiple in silico algorithms, and/or has population frequency not consistent with disease.

Breakthrough Genomics
Classification: Benign. Review status: criteria provided, single submitter. Criteria: ACMG Guidelines, 2015. Collection method: not provided. Allele origin: germline. Inheritance: Autosomal recessive inheritance. Affected: yes.